The following is an entry in ClinVar:

ClinVar aggregate classification (germline): Likely pathogenic (1 of 4 stars; one submission).

Submission:

Dasa
Classification: Likely pathogenic. Last evaluated: 2025-11-19. Review status: criteria provided, single submitter. Criteria: DASA Assertion Criteria. Collection method: clinical testing. Allele origin: germline.
Comment: NM_144672.4(OTOA):c.1465C>T (p.Gln489*) is a nonsense variant in OTOA predicted to introduce a premature termination codon and is predicted to result in an absent or altered protein product. Loss of function is an established disease mechanism for OTOA-associated disorders. Also, this variant is absent from population databases. Based on the currently available evidence, this variant is classified as likely pathogenic.

NM_144672.4(OTOA):c.1465C>T (p.Gln489Ter)

Gene: OTOA (otoancorin). Cytogenetic location: 16p12.2.
Variant type: single nucleotide variant.
Coding change: c.1465C>T on transcript NM_144672.4 (MANE Select); coding-DNA position 1465, C replaced by T.
Protein change: p.Gln489Ter; replaces glutamine 489 with a stop codon.
Molecular consequence: nonsense.
Genome position (GRCh38, 1-based): chr16:21,715,129, C>T. VCF-style: chr16-21715129-C-T. GRCh37 (hg19) VCF-style: chr16-21726450-C-T.
Other names: c.1228C>T, p.Gln410Ter (NM_001161683.2); c.493C>T, p.Gln165Ter (NM_170664.3); short protein forms Q165*, Q410*, Q489*.
Identifiers: ClinVar variation 4883832 (VCV004883832.2).